The following is an entry in ClinVar:

ClinVar aggregate classification (germline): Uncertain significance (1 of 4 stars; one submission).

Allele frequency attached by ClinVar (database versions not stated): TOPMed 0.00001; gnomAD 0.00002; gnomAD exomes 0.00004; ExAC 0.00012; 1000 Genomes Project 0.00020; 1000 Genomes Project 30x 0.00031.
gnomAD v4.1: 57 of 1,607,690 alleles (0.0035%); highest among the groups gnomAD compares: South Asian, 0.059%; no homozygotes.

Submission:

GeneDx
Classification: Uncertain significance. Last evaluated: 2026-03-06. Review status: criteria provided, single submitter. Criteria: GeneDx Variant Classification Process June 2021. Collection method: clinical testing. Allele origin: germline.
Comment: In silico analysis suggests that this missense variant does not alter protein structure/function; In silico analysis is inconclusive as to whether the variant alters gene splicing. In the absence of RNA/functional studies, the actual effect of this sequence change is unknown.; Has not been previously published as pathogenic or benign to our knowledge

NM_004667.6(HERC2):c.3349C>T (p.His1117Tyr)

Gene: HERC2 (HECT and RLD domain containing E3 ubiquitin protein ligase 2; minus strand). Cytogenetic location: 15q13.1.
Variant type: single nucleotide variant.
Coding change: c.3349C>T on transcript NM_004667.6 (MANE Select); coding-DNA position 3349, C replaced by T.
Protein change: p.His1117Tyr; replaces histidine 1117 with tyrosine.
Molecular consequence: missense variant.
Genome position (GRCh38, 1-based): chr15:28,246,784, G>A on the plus strand (C>T on the coding strand, the complement: HERC2 is on the minus strand). VCF-style: chr15-28246784-G-A. GRCh37 (hg19) VCF-style: chr15-28491930-G-A.
Other names: short protein forms H1117Y.
Identifiers: ClinVar variation 2662157 (VCV002662157.2), dbSNP rs555514888, ClinGen allele CA7442924.